The following is an entry in ClinVar:

ClinVar aggregate classification (germline): Uncertain significance (1 of 4 stars; one submission).

Conditions:
Pulmonary hypertension, primary, 2. Identifiers: MedGen C3888002, MONDO:0014134, OMIM 615342, Orphanet 422.

gnomAD v4.1: 7 of 1,614,052 alleles (0.00043%); highest among the groups gnomAD compares: Admixed American, 0.0017%; no homozygotes.

Submission:

Labcorp Genetics (formerly Invitae), Labcorp
Classification: Uncertain significance for Pulmonary hypertension, primary, 2. Last evaluated: 2025-02-06. Review status: criteria provided, single submitter. Criteria: Invitae Variant Classification Sherloc (09022015). Collection method: clinical testing. Allele origin: germline.
Comment: This sequence change replaces serine, which is neutral and polar, with cysteine, which is neutral and slightly polar, at codon 200 of the SMAD9 protein (p.Ser200Cys). This variant is present in population databases (rs145148506, gnomAD 0.003%). This variant has not been reported in the literature in individuals affected with SMAD9-related conditions. Invitae Evidence Modeling of protein sequence and biophysical properties (such as structural, functional, and spatial information, amino acid conservation, physicochemical variation, residue mobility, and thermodynamic stability) has been performed for this missense variant. However, the output from this modeling did not meet the statistical confidence thresholds required to predict the impact of this variant on SMAD9 protein function. In summary, the available evidence is currently insufficient to determine the role of this variant in disease. Therefore, it has been classified as a Variant of Uncertain Significance.

NM_001127217.3(SMAD9):c.599C>G (p.Ser200Cys)

Gene: SMAD9 (SMAD family member 9; minus strand). Cytogenetic location: 13q13.3.
Variant type: single nucleotide variant.
Coding change: c.599C>G on transcript NM_001127217.3 (MANE Select); coding-DNA position 599, C replaced by G.
Protein change: p.Ser200Cys; replaces serine 200 with cysteine.
Molecular consequence: missense variant.
Genome position (GRCh38, 1-based): chr13:36,872,729, G>C on the plus strand (C>G on the coding strand, the complement: SMAD9 is on the minus strand). VCF-style: chr13-36872729-G-C. GRCh37 (hg19) VCF-style: chr13-37446866-G-C.
Other names: c.599C>G, p.Ser200Cys (NM_001378621.1, NM_005905.6); short protein forms S200C.
Identifiers: ClinVar variation 3677134 (VCV003677134.2).